The following is an entry in ClinVar:

NM_175914.5(HNF4A):c.1177G>A (p.Gly393Arg)

Gene: HNF4A (hepatocyte nuclear factor 4 alpha; plus strand). Cytogenetic location: 20q13.12.
Variant type: single nucleotide variant.
Coding change: c.1177G>A on transcript NM_175914.5 (MANE Select); coding-DNA position 1177, G replaced by A.
Protein change: p.Gly393Arg; replaces glycine 393 with arginine.
Molecular consequence: missense variant.
Genome position (GRCh38, 1-based): chr20:44,428,448, G>A. VCF-style: chr20-44428448-G-A. GRCh37 (hg19) VCF-style: chr20-43057088-G-A.
Other names: NM_175914.5(HNF4A):c.1177G>A; p.Gly393Arg; c.1243G>A, p.Gly415Arg (NM_000457.6, NM_178849.3); c.1177G>A, p.Gly393Arg (NM_001030003.3); c.1222G>A, p.Gly408Arg (NM_001258355.2); c.1168G>A, p.Gly390Arg (NM_001287182.2, NM_001287183.2); short protein forms G390R, G393R, G415R, G408R.
Identifiers: ClinVar variation 435440 (VCV000435440.9), dbSNP rs757897768, ClinGen allele CA9870495.

ClinVar aggregate classification (germline): Benign. Review status: reviewed by expert panel (3 of 4 stars). 4 submissions from 4 submitters: Benign (1). 3 of the submissions do not count toward it. Last evaluated 2023-05-27.

Conditions:
Monogenic diabetes. Identifiers: Orphanet 183625, MedGen C3888631, MONDO:0015967.
Maturity-onset diabetes of the young (MODY). Also called: Maturity onset diabetes mellitus in young. Identifiers: Orphanet 552, MedGen C0342276, MONDO:0018911, HP:0004904.
Type 2 diabetes mellitus. Also called: Type II diabetes mellitus. Identifiers: MedGen C0011860, MeSH D003924, MONDO:0005148, OMIM 125853, HP:0005978.
Maturity-onset diabetes of the young type 1. Also called: MODY, type I; MILD JUVENILE DIABETES MELLITUS; MODY type 1; Diabetes mellitus MODY type 1; MODY HNF4A related; HNF4A-Related Maturity-Onset Diabetes of the Young Type 1. Identifiers: Orphanet 552, MedGen C1852093, MONDO:0007452, OMIM 125850. Disease mechanism: loss of function.
Fanconi renotubular syndrome 4 with maturity-onset diabetes of the young (FRTS4). Also called: FRTS4 WITH MODY. Identifiers: Orphanet 93111, MedGen C4014962, MONDO:0014458, OMIM 616026.

Allele frequency attached by ClinVar (database versions not stated): gnomAD 0.00001; TOPMed 0.00001; gnomAD exomes 0.00002 and 0.00003; ExAC 0.00005.

Submissions (4):

ClinGen Monogenic Diabetes Variant Curation Expert Panel
Classification: Benign for Monogenic diabetes. Last evaluated: 2023-05-27. Review status: reviewed by expert panel. Criteria: MDEP HNF4A Specificiations 1.0.0. Collection method: curation. Allele origin: germline. Inheritance: Autosomal dominant inheritance.
Comment: The c.1177G>A in the HNF4A gene causes an amino acid change of glycine to arginine at codon 393 (p.Gly393Arg) of NM_15914.4. The nucleotide change c.1177G>C, which causes the same amino acid change, has been reported in a patient with monogenic diabetes; however, the c.1177G>C variant has not met the criteria to be classified as pathogenic for monogenic diabetes by the ClinGen MDEP. This variant was identified in three unrelated individuals with non-autoimmune and non-absolute/near-absolute insulin-deficient diabetes; however, PS4_Moderate cannot be applied because this number is below the ClinGen MDEP threshold (internal lab contributors). This variant is outside of the region defined as critical for the protein’s function by the ClinGen MDEP (codons 37-113, 180-220 and 300-350). This variant has a Popmax Filtering allele frequency in gnomAD 2.1.1 of 0.0000751, which is greater than the MDEP threshold for BS1 (greater than or equal to 0.000033) (BS1). This variant has a REVEL score of 0.451, which is between the ClinGen MDEP thresholds, predicting neither a damaging nor benign impact on protein function. This variant was identified in individuals with diabetes; however, the MODY probability is unable to be calculated due to age of diagnosis over 35 and lack of clinical information (internal lab contributors). In summary, c.1177G>A meets the criteria to be classified as benign for monogenic diabetes. ACMG/AMP criteria applied, as specified by the ClinGen MDEP (specification version 1.0.0, approved 11/16/2022): BS1, BS2.

Fulgent Genetics
Classification: Uncertain significance for Maturity-onset diabetes of the young type 1; Type 2 diabetes mellitus; Fanconi renotubular syndrome 4 with maturity-onset diabetes of the young. Last evaluated: 2022-04-14. Review status: criteria provided, single submitter. Criteria: ACMG Guidelines, 2015. Collection method: clinical testing. Allele origin: unknown. Not counted in ClinVar's aggregate classification.

Genetic Services Laboratory, University of Chicago
Classification: Uncertain significance. Last evaluated: 2016-07-19. Review status: criteria provided, single submitter. Criteria: ACMG Guidelines, 2015. Collection method: clinical testing. Allele origin: germline. Affected: no. Not counted in ClinVar's aggregate classification.

Clinical Genomics, Uppaluri K&H Personalized Medicine Clinic
Classification: Uncertain risk allele for Maturity-onset diabetes of the young. Review status: criteria provided, single submitter. Criteria: K & H Uppaluri Personalized Medicine Clinic Variant Classification & Assertion Criteria_Updated V.1. Collection method: research. Allele origin: unknown. Inheritance: Autosomal dominant inheritance. Not counted in ClinVar's aggregate classification.
Comment: Potent mutations in HNF4A are associated with poor insulin secretion in response to hyperglycemia. Associated with MODY1. Patients initially respond well to sulfonylureas but eventually become insulin dependent. However, more evidence is required to ascertain the role of this particular variant rs757897768 in MODY, yet.

Literature cited by the submitters: DOI 10.1159/000334532 (cited by Clinical Genomics, Uppaluri K&H Personalized Medicine Clinic); PubMed 18268044 (cited by Clinical Genomics, Uppaluri K&H Personalized Medicine Clinic); PubMed 17563455 (cited by Clinical Genomics, Uppaluri K&H Personalized Medicine Clinic); PubMed 32583173 (cited by Clinical Genomics, Uppaluri K&H Personalized Medicine Clinic); PubMed 35052457 (cited by Clinical Genomics, Uppaluri K&H Personalized Medicine Clinic); PubMed 35118593 (cited by Clinical Genomics, Uppaluri K&H Personalized Medicine Clinic).